The following is an entry in ClinVar:

NM_000038.6(APC):c.7786T>G (p.Ser2596Ala)

Gene: APC (APC regulator of Wnt signaling pathway; plus strand). Cytogenetic location: 5q22.2.
Variant type: single nucleotide variant.
Coding change: c.7786T>G on transcript NM_000038.6 (MANE Select); coding-DNA position 7786, T replaced by G.
Protein change: p.Ser2596Ala; replaces serine 2596 with alanine.
Molecular consequence: missense variant.
Genome position (GRCh38, 1-based): chr5:112,843,380, T>G. VCF-style: chr5-112843380-T-G. GRCh37 (hg19) VCF-style: chr5-112179077-T-G.
Other names: c.7786T>G, p.Ser2596Ala (NM_001127510.3, NM_001354895.2); c.7732T>G, p.Ser2578Ala (NM_001127511.3); c.7840T>G, p.Ser2614Ala (NM_001354896.2); c.7816T>G, p.Ser2606Ala (NM_001354897.2); c.7711T>G, p.Ser2571Ala (NM_001354898.2); c.7702T>G, p.Ser2568Ala (NM_001354899.2); c.7663T>G, p.Ser2555Ala (NM_001354900.2); c.7609T>G, p.Ser2537Ala (NM_001354901.2); and 5 more; short protein forms S2578A, S2596A, S2436A, S2470A, S2495A, S2606A, S2313A, S2537A.
Identifiers: ClinVar variation 142442 (VCV000142442.40), dbSNP rs138137162, ClinGen allele CA014059.

ClinVar aggregate classification (germline): Conflicting classifications of pathogenicity. Review status: criteria provided, conflicting classifications (1 of 4 stars). 15 submissions from 15 submitters: Uncertain significance (3); Benign (1); Likely benign (7). 4 of the submissions do not count toward it. Last evaluated 2026-02-02.

Conditions:
APC-related disorder. Also called: APC-related condition.
Hereditary cancer-predisposing syndrome. Also called: Tumor predisposition; Neoplastic Syndromes, Hereditary; Hereditary neoplastic syndrome; Hereditary Cancer Syndrome. Identifiers: Orphanet 140162, MedGen C0027672, MeSH D009386, MONDO:0015356.
Familial adenomatous polyposis 1 (FAP1). Also called: FAMILIAL ADENOMATOUS POLYPOSIS 1, ATTENUATED; POLYPOSIS, ADENOMATOUS INTESTINAL. Identifiers: MedGen C2713442, MONDO:0021056, OMIM 175100. Disease mechanism: loss of function.

Allele frequency attached by ClinVar (database versions not stated): gnomAD 0.00003 and 0.00004; gnomAD exomes 0.00004 and 0.00011; ExAC 0.00005; TOPMed 0.00005; ESP Exome Variant Server 0.00008.
gnomAD v4.1: 162 of 1,613,604 alleles (0.01%); highest among the groups gnomAD compares: Non-Finnish European, 0.013%; no homozygotes.

Submissions (15):

Labcorp Genetics (formerly Invitae), Labcorp
Classification: Likely benign for Familial adenomatous polyposis 1. Last evaluated: 2026-02-02. Review status: criteria provided, single submitter. Criteria: Invitae Variant Classification Sherloc (09022015). Collection method: clinical testing. Allele origin: germline.

Quest Diagnostics Nichols Institute San Juan Capistrano
Classification: Likely benign. Last evaluated: 2025-07-24. Review status: criteria provided, single submitter. Criteria: Quest Diagnostics criteria. Collection method: clinical testing. Allele origin: unknown.

PreventionGenetics, part of Exact Sciences
Classification: Likely benign for APC-related condition. Last evaluated: 2025-05-20. Review status: criteria provided, single submitter. Criteria: ACMG Guidelines, 2015. Collection method: clinical testing. Allele origin: germline.
Comment: This variant is classified as likely benign based on ACMG/AMP sequence variant interpretation guidelines (Richards et al. 2015 PMID: 25741868, with internal and published modifications).

Color Diagnostics, LLC DBA Color Health
Classification: Likely benign for Hereditary cancer-predisposing syndrome. Last evaluated: 2024-09-24. Review status: criteria provided, single submitter. Criteria: ACMG Guidelines, 2015. Collection method: clinical testing. Allele origin: germline.

Mendelics
Classification: Benign for Familial adenomatous polyposis 1. Last evaluated: 2023-08-22. Review status: criteria provided, single submitter. Criteria: Mendelics Assertion Criteria 2019. Collection method: clinical testing. Allele origin: germline.

Myriad Genetics, Inc.
Classification: Uncertain significance for Familial adenomatous polyposis 1. Last evaluated: 2023-02-17. Review status: criteria provided, single submitter. Criteria: Myriad Autosomal Dominant, Autosomal Recessive and X-Linked Classification Criteria (2023). Collection method: clinical testing. Allele origin: unknown.
Comment: This variant is classified as a variant of uncertain significance as there is insufficient evidence to determine its impact on protein function and/or cancer risk.

GeneDx
Classification: Likely benign. Last evaluated: 2021-04-09. Review status: criteria provided, single submitter. Criteria: GeneDx Variant Classification Process June 2021. Collection method: clinical testing. Allele origin: germline. Affected: yes.
Comment: Not observed at a significant frequency in large population cohorts (Lek 2016); In silico analysis supports that this missense variant does not alter protein structure/function; This variant is associated with the following publications: (PMID: 25604157, 25710373, 27443514, 30404791, 29684080)

Sema4
Classification: Uncertain significance for Hereditary cancer-predisposing syndrome. Last evaluated: 2021-04-05. Review status: criteria provided, single submitter. Criteria: Sema4 Curation Guidelines. Collection method: curation. Allele origin: germline.
Comment: The APC c.7786T>G (p.S2596A) variant has been reported in heterozygosity in at least 1 individual with endometrial carcinoma, at least 1 individual with ovarian cancer, and at least 1 individual with >=10 colorectal polyps of adenomatous or predominantly adenomatous histology (PMID: 27443514, 25710373, 25604157). It was observed in 11/128628 chromosomes, with no homozygotes, of the Non-Finnish European subpopulation in the large and broad cohorts of the Genome Aggregation Database (PMID: 32461654). The variant has been reported in ClinVar (Variation ID: 142442). In silico tools suggest the impact of the variant on protein function is inconclusive, though these predictions have not been confirmed by functional studies. The evidence is insufficient to meet ACMG/AMP criteria for classifying the variant as benign or pathogenic. Thus, the clinical significance of this variant is currently uncertain.

Ambry Genetics
Classification: Likely benign for Hereditary cancer-predisposing syndrome. Last evaluated: 2019-02-13. Review status: criteria provided, single submitter. Criteria: Ambry Variant Classification Scheme 2023. Collection method: clinical testing. Allele origin: germline.

Women's Health and Genetics/Laboratory Corporation of America, LabCorp
Classification: Likely benign. Last evaluated: 2018-11-30. Review status: criteria provided, single submitter. Criteria: LabCorp Variant Classification Summary - May 2015. Collection method: clinical testing. Allele origin: germline.
Comment: Variant summary: APC c.7786T>G (p.Ser2596Ala) results in a conservative amino acid change in the encoded protein sequence. Five of five in-silico tools predict a benign effect of the variant on protein function. The variant allele was found at a frequency of 4e-05 in 276400 control chromosomes, predominantly at a frequency of 8.7e-05 within the Non-Finnish European subpopulation in the gnomAD database. The observed variant frequency within Non-Finnish European control individuals in the gnomAD database is approximately 1.22 fold of the estimated maximal expected allele frequency for a pathogenic variant in APC causing Familial Adenomatous Polyposis phenotype (7.1e-05), strongly suggesting that the variant is a benign polymorphism found primarily in populations of Non-Finnish European origin. c.7786T>G has been reported in the literature in individuals affected with colorectal polyps, ovarian and endometrial cancer (Out_2015, Ring_2016, Schwarz_2015). These report(s) do not provide unequivocal conclusions about association of the variant with Familial Adenomatous Polyposis. To our knowledge, no experimental evidence demonstrating an impact on protein function has been reported. Seven clinical diagnostic laboratories have submitted clinical-significance assessments for this variant to ClinVar after 2014 without evidence for independent evaluation, six classify as VUS and one classifies as likely benign. Based on the evidence outlined above, the variant was classified as likely benign.

ARUP Laboratories, Molecular Genetics and Genomics, ARUP Laboratories
Classification: Uncertain significance. Last evaluated: 2016-09-26. Review status: criteria provided, single submitter. Criteria: ARUP Molecular Germline Variant Investigation Process. Collection method: clinical testing. Allele origin: germline.

True Health Diagnostics
Classification: Likely benign for Hereditary cancer-predisposing syndrome. Last evaluated: 2018-09-11. Review status: no assertion criteria provided. Collection method: clinical testing. Allele origin: germline. Not counted in ClinVar's aggregate classification.

Counsyl
Classification: Uncertain significance for Familial adenomatous polyposis 1. Last evaluated: 2016-10-19. Review status: no assertion criteria provided. Collection method: clinical testing. Allele origin: unknown. Not counted in ClinVar's aggregate classification.

Clinical Genetics DNA and cytogenetics Diagnostics Lab, Erasmus MC, Erasmus Medical Center
Classification: Likely benign. Review status: no assertion criteria provided. Collection method: clinical testing. Allele origin: germline. Affected: yes. Study: VKGL Data-share Consensus. Not counted in ClinVar's aggregate classification.

Clinical Genetics, Academic Medical Center
Classification: Likely benign. Review status: no assertion criteria provided. Collection method: clinical testing. Allele origin: germline. Affected: yes. Study: VKGL Data-share Consensus. Not counted in ClinVar's aggregate classification.

Literature cited by the submitters: PubMed 27443514 (cited by 3 submitters); PubMed 35264596 (cited by Quest Diagnostics Nichols Institute San Juan Capistrano); PubMed 25604157 (cited by 4 submitters); PubMed 25710373 (cited by 4 submitters).